The following is an entry in ClinVar:

ClinVar aggregate classification (germline): Uncertain significance (1 of 4 stars; one submission).

Allele frequency attached by ClinVar (database versions not stated): gnomAD exomes below 0.00001 and 0.00001; TOPMed 0.00001; ESP Exome Variant Server 0.00008.

Submission:

GeneDx
Classification: Uncertain significance. Last evaluated: 2022-02-14. Review status: criteria provided, single submitter. Criteria: GeneDx Variant Classification Process June 2021. Collection method: clinical testing. Allele origin: germline. Affected: yes.
Comment: Not observed at significant frequency in large population cohorts (gnomAD); In silico analysis supports that this missense variant does not alter protein structure/function; Has not been previously published as pathogenic or benign to our knowledge

NM_133259.4(LRPPRC):c.3531G>A (p.Met1177Ile)

Gene: LRPPRC (leucine rich pentatricopeptide repeat containing; minus strand). Cytogenetic location: 2p21.
Variant type: single nucleotide variant.
Coding change: c.3531G>A on transcript NM_133259.4 (MANE Select); coding-DNA position 3531, G replaced by A.
Protein change: p.Met1177Ile; replaces methionine 1177 with isoleucine.
Molecular consequence: missense variant.
Genome position (GRCh38, 1-based): chr2:43,901,358, C>T on the plus strand (G>A on the coding strand, the complement: LRPPRC is on the minus strand). VCF-style: chr2-43901358-C-T. GRCh37 (hg19) VCF-style: chr2-44128497-C-T.
Other names: short protein forms M1177I.
Identifiers: ClinVar variation 1701011 (VCV001701011.2), dbSNP rs376046961, ClinGen allele CA46508051.
Genomic context (GRCh38, chr2:43,901,358, plus strand): 5'-AAGAAGGCTTGCAAATACTCACTTCTTTATTTGAGCCAAAGCAATGTTATTGATGAAAAC[C>T]ATTTTTGAAAGTCCAATGGAGTCTTCGAGTCCATTTAACATCTTCTGAACTACTTCTATG-3'
Protein context (NP_573566.2, residues 1167-1187): GLEDSIGLSK[Met1177Ile]VFINNIALAQ